The following is an entry in ClinVar:

NM_152564.5(VPS13B):c.6082G>A (p.Ala2028Thr)

Gene: VPS13B (vacuolar protein sorting 13 homolog B; plus strand). Cytogenetic location: 8q22.2.
Variant type: single nucleotide variant.
Coding change: c.6082G>A on transcript NM_152564.5 (MANE Select); coding-DNA position 6082, G replaced by A.
Protein change: p.Ala2028Thr; replaces alanine 2028 with threonine.
Molecular consequence: missense variant.
Genome position (GRCh38, 1-based): chr8:99,699,560, G>A. VCF-style: chr8-99699560-G-A. GRCh37 (hg19) VCF-style: chr8-100711788-G-A.
Other names: c.6157G>A, p.Ala2053Thr (NM_017890.5); short protein forms A2028T, A2053T.
Identifiers: ClinVar variation 1466262 (VCV001466262.6), dbSNP rs1310217789, ClinGen allele CA371873931.

ClinVar aggregate classification (germline): Uncertain significance (1 of 4 stars; one submission).

Conditions:
Cohen syndrome (COH1). Also called: PEPPER SYNDROME; Cutis verticis gyrata, retinitis pigmentosa, and sensorineural deafness. Identifiers: Orphanet 193, MedGen C0265223, MONDO:0008999, OMIM 216550.

Allele frequency attached by ClinVar (database versions not stated): gnomAD exomes below 0.00001.
gnomAD v4.1: 3 of 1,613,894 alleles (0.00019%); highest among the groups gnomAD compares: Middle Eastern, 0.017%; no homozygotes.

Submission:

Labcorp Genetics (formerly Invitae), Labcorp
Classification: Uncertain significance for Cohen syndrome. Last evaluated: 2021-08-09. Review status: criteria provided, single submitter. Criteria: Invitae Variant Classification Sherloc (09022015). Collection method: clinical testing. Allele origin: germline.
Comment: This sequence change replaces alanine with threonine at codon 2053 of the VPS13B protein (p.Ala2053Thr). The alanine residue is weakly conserved and there is a small physicochemical difference between alanine and threonine. This variant is not present in population databases (ExAC no frequency). This variant has not been reported in the literature in individuals affected with VPS13B-related conditions. Algorithms developed to predict the effect of missense changes on protein structure and function are either unavailable or do not agree on the potential impact of this missense change (SIFT: "Not Available"; PolyPhen-2: "Benign"; Align-GVGD: "Not Available"). In summary, the available evidence is currently insufficient to determine the role of this variant in disease. Therefore, it has been classified as a Variant of Uncertain Significance.